The following is an entry in ClinVar:

ClinVar aggregate classification (germline): Uncertain significance (1 of 4 stars; one submission).

Conditions:
Severe combined immunodeficiency due to DNA-PKcs deficiency. Also called: Immunodeficiency 26 with or without neurologic abnormalities; IMMUNODEFICIENCY 26 WITH NEUROLOGIC ABNORMALITIES. Identifiers: Orphanet 317425, MedGen C4014833, MONDO:0014423, OMIM 615966.

gnomAD v4.1: 1 of 1,613,758 alleles (0.000062%); highest among the groups gnomAD compares: Non-Finnish European, 0.000085%; no homozygotes.

Submission:

Labcorp Genetics (formerly Invitae), Labcorp
Classification: Uncertain significance for Severe combined immunodeficiency due to DNA-PKcs deficiency. Last evaluated: 2020-10-21. Review status: criteria provided, single submitter. Criteria: Invitae Variant Classification Sherloc (09022015). Collection method: clinical testing. Allele origin: germline.
Comment: Experimental studies and prediction algorithms are not available or were not evaluated, and the functional significance of this variant is currently unknown. This variant has not been reported in the literature in individuals with PRKDC-related conditions. This variant is not present in population databases (ExAC no frequency). This sequence change replaces lysine with glutamine at codon 3884 of the PRKDC protein (p.Lys3884Gln). The lysine residue is moderately conserved and there is a small physicochemical difference between lysine and glutamine. In summary, the available evidence is currently insufficient to determine the role of this variant in disease. Therefore, it has been classified as a Variant of Uncertain Significance.

NM_006904.7(PRKDC):c.11650A>C (p.Lys3884Gln)

Gene: PRKDC (protein kinase, DNA-activated, catalytic subunit; minus strand). Cytogenetic location: 8q11.21.
Variant type: single nucleotide variant.
Coding change: c.11650A>C on transcript NM_006904.7 (MANE Select); coding-DNA position 11650, A replaced by C.
Protein change: p.Lys3884Gln; replaces lysine 3884 with glutamine.
Molecular consequence: missense variant.
Genome position (GRCh38, 1-based): chr8:47,778,729, T>G on the plus strand (A>C on the coding strand, the complement: PRKDC is on the minus strand). VCF-style: chr8-47778729-T-G. GRCh37 (hg19) VCF-style: chr8-48691290-T-G.
Other names: c.11557A>C, p.Lys3853Gln (NM_001081640.2); short protein forms K3853Q, K3884Q.
Identifiers: ClinVar variation 1063792 (VCV001063792.5), dbSNP rs2154497357, ClinGen allele CA371128872.